The following is an entry in ClinVar:

ClinVar aggregate classification (germline): Likely benign. Review status: criteria provided, multiple submitters, no conflicts (2 of 4 stars). 3 submissions from 3 submitters: Likely benign (2). 1 of the submissions does not count toward it. Last evaluated 2024-10-24.

Conditions:
OBSL1-related disorder. Also called: OBSL1-related condition.

Allele frequency attached by ClinVar (database versions not stated): ExAC 0.00001; gnomAD 0.00002; gnomAD exomes 0.00002; TOPMed 0.00003.
gnomAD v4.1: 32 of 1,613,732 alleles (0.002%); highest among the groups gnomAD compares: Non-Finnish European, 0.0027%; no homozygotes.

Submissions (3):

Blueprint Genetics
Classification: Likely benign. Last evaluated: 2024-10-24. Review status: criteria provided, single submitter. Criteria: ACMG Guidelines, 2015. Collection method: clinical testing. Allele origin: germline.

Labcorp Genetics (formerly Invitae), Labcorp
Classification: Likely benign. Last evaluated: 2022-10-23. Review status: criteria provided, single submitter. Criteria: Invitae Variant Classification Sherloc (09022015). Collection method: clinical testing. Allele origin: germline.

PreventionGenetics, part of Exact Sciences
Classification: Likely benign for OBSL1-related condition. Last evaluated: 2019-07-29. Review status: no assertion criteria provided. Collection method: clinical testing. Allele origin: germline. Not counted in ClinVar's aggregate classification.
Comment: This variant is classified as likely benign based on ACMG/AMP sequence variant interpretation guidelines (Richards et al. 2015 PMID: 25741868, with internal and published modifications).

NM_015311.3(OBSL1):c.1308G>A (p.Arg436=)

Gene: OBSL1 (obscurin like cytoskeletal adaptor 1; minus strand). Cytogenetic location: 2q35.
Variant type: single nucleotide variant.
Coding change: c.1308G>A on transcript NM_015311.3 (MANE Select); coding-DNA position 1308, G replaced by A.
Protein change: p.Arg436=; no amino-acid change (arginine 436 retained).
Molecular consequence: synonymous variant.
Genome position (GRCh38, 1-based): chr2:219,567,944, C>T on the plus strand (G>A on the coding strand, the complement: OBSL1 is on the minus strand). VCF-style: chr2-219567944-C-T. GRCh37 (hg19) VCF-style: chr2-220432666-C-T.
Other names: c.1308G>A (NM_015311.2); c.1308G>A, p.Arg436= (NM_001173408.2, NM_001173431.2).
Identifiers: ClinVar variation 2892312 (VCV002892312.6), dbSNP rs773170601, ClinGen allele CA2131556.